The following is an entry in ClinVar:

NM_001128148.3(TFRC):c.1296G>A (p.Met432Ile)

Gene: TFRC (transferrin receptor; minus strand). Cytogenetic location: 3q29.
Variant type: single nucleotide variant.
Coding change: c.1296G>A on transcript NM_001128148.3 (MANE Select); coding-DNA position 1296, G replaced by A.
Protein change: p.Met432Ile; replaces methionine 432 with isoleucine.
Molecular consequence: missense variant.
Genome position (GRCh38, 1-based): chr3:196,064,331, C>T on the plus strand (G>A on the coding strand, the complement: TFRC is on the minus strand). VCF-style: chr3-196064331-C-T. GRCh37 (hg19) VCF-style: chr3-195791202-C-T.
Other names: c.1053G>A, p.Met351Ile (NM_001313965.2); c.450G>A, p.Met150Ile (NM_001313966.2); c.1296G>A, p.Met432Ile (NM_003234.4); c.1296G>A (NM_003234.2); short protein forms M432I, M150I, M351I.
Identifiers: ClinVar variation 2894954 (VCV002894954.4), dbSNP rs760562518, ClinGen allele CA2777973.
Genomic context (GRCh38, chr3:196,064,331, plus strand): 5'-TGCACCAATATTCAAAAGAATCAAAATTTGTACTCTACCTTTTAAGACCATATCTGAGAA[C>T]ATCTGGGCAAGTTTCAATAGGAGAGCTGTGCCTACACCGGATTTTGCAGCTCCAGGGCCC-3'
Protein context (NP_001121620.1, residues 422-442): GTALLLKLAQ[Met432Ile]FSDMVLKDGF

ClinVar aggregate classification (germline): Conflicting classifications of pathogenicity. Review status: criteria provided, conflicting classifications (1 of 4 stars). 2 submissions from 2 submitters: Uncertain significance (1); Likely benign (1). Last evaluated 2025-08-19.

Conditions:
Inborn genetic diseases. Identifiers: MedGen C0950123, MeSH D030342.

Allele frequency attached by ClinVar (database versions not stated): ExAC 0.00002; gnomAD 0.00001; TOPMed 0.00002; gnomAD exomes 0.00001.
gnomAD v4.1: 6 of 1,612,162 alleles (0.00037%); highest among the groups gnomAD compares: Admixed American, 0.0084%; no homozygotes.

Submissions (2):

Ambry Genetics
Classification: Likely benign for Inborn genetic diseases. Last evaluated: 2025-08-19. Review status: criteria provided, single submitter. Criteria: Ambry Variant Classification Scheme 2023. Collection method: clinical testing. Allele origin: germline.

Labcorp Genetics (formerly Invitae), Labcorp
Classification: Uncertain significance. Last evaluated: 2025-05-12. Review status: criteria provided, single submitter. Criteria: Invitae Variant Classification Sherloc (09022015). Collection method: clinical testing. Allele origin: germline.
Comment: This sequence change replaces methionine, which is neutral and non-polar, with isoleucine, which is neutral and non-polar, at codon 432 of the TFRC protein (p.Met432Ile). This variant is present in population databases (rs760562518, gnomAD 0.009%). This variant has not been reported in the literature in individuals affected with TFRC-related conditions. ClinVar contains an entry for this variant (Variation ID: 2894954). Invitae Evidence Modeling of protein sequence and biophysical properties (such as structural, functional, and spatial information, amino acid conservation, physicochemical variation, residue mobility, and thermodynamic stability) indicates that this missense variant is not expected to disrupt TFRC protein function with a negative predictive value of 80%. In summary, the available evidence is currently insufficient to determine the role of this variant in disease. Therefore, it has been classified as a Variant of Uncertain Significance.